The following is an entry in ClinVar:

NM_000169.3(GLA):c.1061_1071del (p.Ile354fs)

Genes: GLA (galactosidase alpha; minus strand), RPL36A-HNRNPH2 (RPL36A-HNRNPH2 readthrough; plus strand). Cytogenetic location: Xq22.1.
Variant type: Deletion.
Coding change: c.1061_1071del on transcript NM_000169.3 (MANE Select); coding-DNA positions 1061 to 1071, 11 bases deleted (TAAACCGGCAG).
Protein change: p.Ile354fs; shifts the reading frame from isoleucine 354.
Molecular consequence: frameshift variant. On other transcripts: non-coding transcript variant (3), intron variant (2).
Genome position (GRCh38, 1-based): chrX:101,398,028-101,398,038, CTGCCGGTTTA deleted on the plus strand (TAAACCGGCAG on the coding strand, the reverse complement: GLA is on the minus strand). VCF-style (leftmost placement, unchanged base first): chrX-101398027-CCTGCCGGTTTA-C. GRCh37 (hg19) VCF-style: chrX-100653015-CCTGCCGGTTTA-C.
Other names: c.1184_1194del, p.Ile395fs (NM_001406747.1); c.300+2571_300+2581del (NM_001199973.2); c.177+6206_177+6216del (NM_001199974.2); short protein forms I354fs, I395fs.
Identifiers: ClinVar variation 4974836 (VCV004974836.1).

ClinVar aggregate classification (germline): Pathogenic (1 of 4 stars; one submission).

Conditions:
Fabry disease. Also called: Fabry's disease; ALPHA-GALACTOSIDASE A DEFICIENCY; ANDERSON-FABRY DISEASE; CERAMIDE TRIHEXOSIDASE DEFICIENCY; GLA DEFICIENCY; HEREDITARY DYSTOPIC LIPIDOSIS. Identifiers: Orphanet 324, MedGen C0002986, MONDO:0010526, OMIM 301500, HP:0001071. Disease mechanism: Fabry disease is due to inactivating mutations in the X-linked GLA gene resulting in deficiency of the enzyme Alpha Galactosidase-A., loss of function.

Submission:

Genomenon, Inc
Classification: Pathogenic for Fabry disease. Last evaluated: 2026-09-08. Review status: criteria provided, single submitter. Criteria: Genomenon Sequence Variant Interpretation Standards - Updated. Collection method: curation. Allele origin: germline. Affected: yes.
Comment: GLA p.Ile354ArgfsTer17 (c.1061_1071del) is a frameshift variant that is predicted to introduce a premature termination codon and result in a truncated or absent protein product. This variant has been observed in at least one proband with clinical features consistent with Fabry disease (PMID:15091117). It is absent or not present at a significant frequency in gnomAD. In conclusion, we classify GLA p.Ile354ArgfsTer17 (c.1061_1071del) as a pathogenic variant.

Literature cited by the submitters: PubMed 15091117.